The following is an entry in ClinVar:

NM_173728.4(ARHGEF15):c.1951G>A (p.Val651Met)

Gene: ARHGEF15 (Rho guanine nucleotide exchange factor 15; plus strand). Cytogenetic location: 17p13.1.
Variant type: single nucleotide variant.
Coding change: c.1951G>A on transcript NM_173728.4 (MANE Select); coding-DNA position 1951, G replaced by A.
Protein change: p.Val651Met; replaces valine 651 with methionine.
Molecular consequence: missense variant.
Genome position (GRCh38, 1-based): chr17:8,318,828, G>A. VCF-style: chr17-8318828-G-A. GRCh37 (hg19) VCF-style: chr17-8222146-G-A.
Other names: c.1951G>A, p.Val651Met (NM_025014.2); short protein forms V651M.
Identifiers: ClinVar variation 1010658 (VCV001010658.10), dbSNP rs367882089, ClinGen allele CA8375369.

ClinVar aggregate classification (germline): Uncertain significance (1 of 4 stars; one submission).

Conditions:
Early-infantile DEE. Also called: Ohtahara syndrome; Early infantile epileptic encephalopathy with suppression bursts; Early infantile epileptic encephalopathy. Identifiers: Orphanet 1934, MedGen C0393706, MONDO:0800491.

Allele frequency attached by ClinVar (database versions not stated): ExAC 0.00005; gnomAD exomes 0.00006; ESP Exome Variant Server 0.00008; TOPMed 0.00017; gnomAD 0.00018 and 0.00019; 1000 Genomes Project 0.00040; 1000 Genomes Project 30x 0.00047.
gnomAD v4.1: 82 of 1,613,552 alleles (0.0051%); highest among the groups gnomAD compares: African/African-American, 0.037%; no homozygotes.

Submission:

Labcorp Genetics (formerly Invitae), Labcorp
Classification: Uncertain significance for Early-infantile DEE. Last evaluated: 2026-01-07. Review status: criteria provided, single submitter. Criteria: Invitae Variant Classification Sherloc (09022015). Collection method: clinical testing. Allele origin: germline.
Comment: This sequence change replaces valine, which is neutral and non-polar, with methionine, which is neutral and non-polar, at codon 651 of the ARHGEF15 protein (p.Val651Met). This variant is present in population databases (rs367882089, gnomAD 0.05%), and has an allele count higher than expected for a pathogenic variant. This variant has not been reported in the literature in individuals affected with ARHGEF15-related conditions. ClinVar contains an entry for this variant (Variation ID: 1010658). An algorithm developed to predict the effect of missense changes on protein structure and function outputs the following: PolyPhen-2: "Benign". The methionine amino acid residue is found in multiple mammalian species, which suggests that this missense change does not adversely affect protein function. In summary, the available evidence is currently insufficient to determine the role of this variant in disease. Therefore, it has been classified as a Variant of Uncertain Significance.